The following is an entry in ClinVar:

NM_001035.3(RYR2):c.11039+4del

Gene: RYR2 (ryanodine receptor 2; plus strand). Cytogenetic location: 1q43.
Variant type: Deletion.
Coding change: c.11039+4del on transcript NM_001035.3 (MANE Select); 4 bases into the intron after coding-DNA position 11039, one base deleted (T; older notation c.11039+4delT).
Molecular consequence: intron variant.
Genome position (GRCh38, 1-based): chr1:237,732,153, T deleted. VCF-style (leftmost placement, unchanged base first): chr1-237732152-AT-A. GRCh37 (hg19) VCF-style: chr1-237895452-AT-A.
Identifiers: ClinVar variation 2027314 (VCV002027314.7), dbSNP rs746280180, ClinGen allele CA084668.
Genomic context (GRCh38, chr1:237,732,152, plus strand): 5'-TTGATCCTCTACATCAGCTGATCCTTCTGTTTAGTCGGACAGCTTTAACAGAGAAATGGT[AT>A]GGTTGGGAGGGTTCCTATGAGACATAGGAGGAGCAAATAAAGACACCCGTGTCTGAGTAT-3'

ClinVar aggregate classification (germline): Uncertain significance. Review status: criteria provided, multiple submitters, no conflicts (2 of 4 stars). 3 submissions from 3 submitters: Uncertain significance (3). Last evaluated 2024-05-14.

Conditions:
Cardiomyopathy (CMYO). Also called: Cardiomyopathies. Identifiers: Orphanet 167848, MedGen C0878544, MONDO:0004994, HP:0001638. Inheritance: Various modes of inheritance.
Catecholaminergic polymorphic ventricular tachycardia 1. Also called: VENTRICULAR TACHYCARDIA, CATECHOLAMINERGIC POLYMORPHIC, 1, WITH OR WITHOUT ATRIAL DYSFUNCTION AND/OR DILATED CARDIOMYOPATHY; RYR2-Related Catecholaminergic Polymorphic Ventricular Tachycardia; VENTRICULAR TACHYCARDIA, STRESS-INDUCED POLYMORPHIC 1. Identifiers: Orphanet 3286, MedGen C1631597, MONDO:0011484, OMIM 604772.
Catecholaminergic polymorphic ventricular tachycardia (CVPT). Also called: Catecholamine-induced polymorphic ventricular tachycardia. Identifiers: Orphanet 3286, MedGen C5574922, MONDO:0017990.

Allele frequency attached by ClinVar (database versions not stated): ExAC 0.00001.

Submissions (3):

All of Us Research Program, National Institutes of Health
Classification: Uncertain significance for Catecholaminergic polymorphic ventricular tachycardia. Last evaluated: 2024-05-14. Review status: criteria provided, single submitter. Criteria: ACMG Guidelines, 2015. Collection method: clinical testing. Allele origin: germline. Inheritance: Autosomal dominant inheritance. Observed: 1 variant allele, 1 heterozygote.
Comment: This variant causes a deletion of 1 nucleotide in intron 78 of the RYR2 gene. To our knowledge, functional studies have not been reported for this variant. This variant has not been reported in individuals affected with cardiovascular disorders in the literature. This variant has not been identified in the general population by the Genome Aggregation Database (gnomAD). The available evidence is insufficient to determine the role of this variant in disease conclusively. Therefore, this variant is classified as a Variant of Uncertain Significance.

This study involves interpretation of variants in research participants for the purpose of population health screening. Participant phenotype was not available at the time of variant classification. Additional details can be found in publication PMID: 35346344, PMCID: PMC8962531

Color Diagnostics, LLC DBA Color Health
Classification: Uncertain significance for Cardiomyopathy. Last evaluated: 2024-05-03. Review status: criteria provided, single submitter. Criteria: ACMG Guidelines, 2015. Collection method: clinical testing. Allele origin: germline.
Comment: This variant causes a deletion of 1 nucleotide in intron 78 of the RYR2 gene. To our knowledge, functional studies have not been reported for this variant. This variant has not been reported in individuals affected with cardiovascular disorders in the literature. This variant has not been identified in the general population by the Genome Aggregation Database (gnomAD). The available evidence is insufficient to determine the role of this variant in disease conclusively. Therefore, this variant is classified as a Variant of Uncertain Significance.

Labcorp Genetics (formerly Invitae), Labcorp
Classification: Uncertain significance for Catecholaminergic polymorphic ventricular tachycardia 1. Last evaluated: 2022-08-27. Review status: criteria provided, single submitter. Criteria: Invitae Variant Classification Sherloc (09022015). Collection method: clinical testing. Allele origin: germline.
Comment: In summary, the available evidence is currently insufficient to determine the role of this variant in disease. Therefore, it has been classified as a Variant of Uncertain Significance. Variants that disrupt the consensus splice site are a relatively common cause of aberrant splicing (PMID: 17576681, 9536098). Algorithms developed to predict the effect of sequence changes on RNA splicing suggest that this variant is not likely to affect RNA splicing. This variant has not been reported in the literature in individuals affected with RYR2-related conditions. This variant is not present in population databases (gnomAD no frequency). This sequence change falls in intron 78 of the RYR2 gene. It does not directly change the encoded amino acid sequence of the RYR2 protein. It affects a nucleotide within the consensus splice site.

Literature cited by the submitters: PubMed 17576681 (cited by Labcorp Genetics (formerly Invitae), Labcorp); PubMed 9536098 (cited by Labcorp Genetics (formerly Invitae), Labcorp).